The following is an entry in ClinVar:

ClinVar aggregate classification (germline): Benign (1 of 4 stars; one submission).

Conditions:
Lynch syndrome 5 (LYNCH5). Also called: Colorectal cancer, hereditary nonpolyposis, type 5; Hereditary non-polyposis colorectal cancer, type 5. Identifiers: Orphanet 144, MedGen C1833477, MONDO:0013710, OMIM 614350. Disease mechanism: loss of function.

Submission:

Myriad Genetics, Inc.
Classification: Benign for Lynch syndrome 5. Last evaluated: 2024-12-20. Review status: criteria provided, single submitter. Criteria: Myriad Autosomal Dominant, Autosomal Recessive and X-Linked Classification Criteria (2023). Collection method: clinical testing. Allele origin: unknown.
Comment: This variant is considered benign. This variant is a silent/synonymous amino acid change and it is not expected to impact splicing.

NM_000179.3(MSH6):c.918A>G (p.Gly306=)

Gene: MSH6 (mutS homolog 6; plus strand). Cytogenetic location: 2p16.3.
Variant type: single nucleotide variant.
Coding change: c.918A>G on transcript NM_000179.3 (MANE Select); coding-DNA position 918, A replaced by G.
Protein change: p.Gly306=; no amino-acid change (glycine 306 retained).
Molecular consequence: synonymous variant. On other transcripts: non-coding transcript variant (4), intron variant (1).
Genome position (GRCh38, 1-based): chr2:47,798,901, A>G. VCF-style: chr2-47798901-A-G. GRCh37 (hg19) VCF-style: chr2-48026040-A-G.
Other names: c.528A>G, p.Gly176= (NM_001281492.2); c.12A>G, p.Gly4= (NM_001281493.2, NM_001281494.2, NM_001406811.1 and 6 more transcripts); c.1014A>G, p.Gly338= (NM_001406795.1, NM_001406802.1); c.918A>G, p.Gly306= (NM_001406796.1, NM_001406798.1, NM_001406800.1 and 4 more transcripts); c.621A>G, p.Gly207= (NM_001406797.1, NM_001406801.1, NM_001406805.1 and 10 more transcripts); c.393A>G, p.Gly131= (NM_001406799.1, NM_001406806.1, NM_001406807.1); c.840A>G, p.Gly280= (NM_001406804.1); c.924A>G, p.Gly308= (NM_001406813.1); and 2 more.
Identifiers: ClinVar variation 3903762 (VCV003903762.1).